The following is an entry in ClinVar:

NM_004385.5(VCAN):c.10062C>T (p.Asn3354=)

Gene: VCAN (versican; plus strand). Cytogenetic location: 5q14.3.
Variant type: single nucleotide variant.
Coding change: c.10062C>T on transcript NM_004385.5 (MANE Select); coding-DNA position 10062, C replaced by T.
Protein change: p.Asn3354=; no amino-acid change (asparagine 3354 retained).
Molecular consequence: synonymous variant.
Genome position (GRCh38, 1-based): chr5:83,580,161, C>T. VCF-style: chr5-83580161-C-T. GRCh37 (hg19) VCF-style: chr5-82875980-C-T.
Other names: c.1839C>T, p.Asn613= (NM_001126336.3); c.7101C>T, p.Asn2367= (NM_001164097.2); c.4800C>T, p.Asn1600= (NM_001164098.2).
Identifiers: ClinVar variation 1037417 (VCV001037417.6), dbSNP rs139494023, ClinGen allele CA3334143.

ClinVar aggregate classification (germline): Uncertain significance (1 of 4 stars; one submission).

Allele frequency attached by ClinVar (database versions not stated): gnomAD exomes below 0.00001 and 0.00001; ExAC 0.00002; gnomAD 0.00005 and 0.00006; TOPMed 0.00008; ESP Exome Variant Server 0.00015.
gnomAD v4.1: 10 of 1,613,912 alleles (0.00062%); highest among the groups gnomAD compares: African/African-American, 0.011%; no homozygotes.

Submission:

Labcorp Genetics (formerly Invitae), Labcorp
Classification: Uncertain significance. Last evaluated: 2025-07-31. Review status: criteria provided, single submitter. Criteria: Invitae Variant Classification Sherloc (09022015). Collection method: clinical testing. Allele origin: germline.
Comment: This sequence change affects codon 3354 of the VCAN mRNA. It is a 'silent' change, meaning that it does not change the encoded amino acid sequence of the VCAN protein. It affects a nucleotide within the consensus splice site. This variant is present in population databases (rs139494023, gnomAD 0.02%). This variant has been observed in individual(s) with clinical features of inherited retinal dystrophy (internal data). ClinVar contains an entry for this variant (Variation ID: 1037417). Algorithms developed to predict the effect of sequence changes on RNA splicing suggest that this variant is not likely to affect RNA splicing. In summary, the available evidence is currently insufficient to determine the role of this variant in disease. Therefore, it has been classified as a Variant of Uncertain Significance.